The following is an entry in ClinVar:

ClinVar aggregate classification (germline): Pathogenic. Review status: criteria provided, multiple submitters, no conflicts (2 of 4 stars). 2 submissions from 2 submitters: Pathogenic (2). Last evaluated 2024-07-26.

Conditions:
Hereditary cancer-predisposing syndrome. Also called: Neoplastic Syndromes, Hereditary; Tumor predisposition; Hereditary Cancer Syndrome; Hereditary neoplastic syndrome. Identifiers: Orphanet 140162, MedGen C0027672, MeSH D009386, MONDO:0015356.
Tuberous sclerosis 2 (TSC2). Identifiers: Orphanet 805, MedGen C1860707, MONDO:0013199, OMIM 613254.

Submissions (2):

Ambry Genetics
Classification: Pathogenic for Hereditary cancer-predisposing syndrome. Last evaluated: 2024-07-26. Review status: criteria provided, single submitter. Criteria: Ambry Variant Classification Scheme 2023. Collection method: clinical testing. Allele origin: germline.
Comment: The p.C230* pathogenic mutation (also known as c.690C>A), located in coding exon 7 of the TSC2 gene, results from a C to A substitution at nucleotide position 690. This changes the amino acid from a cysteine to a stop codon within coding exon 7. This variant has been observed in at least one individual with a personal and/or family history that is consistent with tuberous sclerosis complex (Ambry internal data). This variant is considered to be rare based on population cohorts in the Genome Aggregation Database (gnomAD). This alteration is expected to result in loss of function by premature protein truncation or nonsense-mediated mRNA decay. As such, this alteration is interpreted as a disease-causing mutation.

Labcorp Genetics (formerly Invitae), Labcorp
Classification: Pathogenic for Tuberous sclerosis 2. Last evaluated: 2023-02-13. Review status: criteria provided, single submitter. Criteria: Invitae Variant Classification Sherloc (09022015). Collection method: clinical testing. Allele origin: germline.
Comment: For these reasons, this variant has been classified as Pathogenic. This variant has not been reported in the literature in individuals affected with TSC2-related conditions. This variant is not present in population databases (gnomAD no frequency). This sequence change creates a premature translational stop signal (p.Cys230*) in the TSC2 gene. It is expected to result in an absent or disrupted protein product. Loss-of-function variants in TSC2 are known to be pathogenic (PMID: 10205261, 17304050).

Literature cited by the submitters: PubMed 10205261 (cited by Labcorp Genetics (formerly Invitae), Labcorp); PubMed 17304050 (cited by Labcorp Genetics (formerly Invitae), Labcorp).

NM_000548.5(TSC2):c.690C>A (p.Cys230Ter)

Gene: TSC2 (TSC complex subunit 2; plus strand). Cytogenetic location: 16p13.3.
Variant type: single nucleotide variant.
Coding change: c.690C>A on transcript NM_000548.5 (MANE Select); coding-DNA position 690, C replaced by A.
Protein change: p.Cys230Ter; replaces cysteine 230 with a stop codon.
Molecular consequence: nonsense. On other transcripts: 5 prime UTR variant (10), non-coding transcript variant (5).
Genome position (GRCh38, 1-based): chr16:2,056,685, C>A. VCF-style: chr16-2056685-C-A. GRCh37 (hg19) VCF-style: chr16-2106686-C-A.
Other names: c.690C>A, p.Cys230Ter (NM_001077183.3, NM_001114382.3, NM_001363528.2 and 6 more transcripts); c.579C>A, p.Cys193Ter (NM_001318827.2, NM_001406670.1, NM_001406678.1); c.543C>A, p.Cys181Ter (NM_001318829.2, NM_001406675.1, NM_001406676.1 and 1 more transcripts); c.90C>A, p.Cys30Ter (NM_001318831.2, NM_001406686.1, NM_001406687.1 and 6 more transcripts); c.723C>A, p.Cys241Ter (NM_001318832.2); c.780C>A, p.Cys260Ter (NM_001406667.1, NM_001406668.1); c.678C>A, p.Cys226Ter (NM_001406671.1, NM_001406673.1); c.-742C>A (NM_001406689.1, NM_001406690.1, NM_001406691.1 and 4 more transcripts); and 4 more; short protein forms C211*, C226*, C30*, C181*, C241*, C260*, C193*, C230*.
Identifiers: ClinVar variation 2836723 (VCV002836723.4), dbSNP rs2151078845, ClinGen allele CA394312588.
Genomic context (GRCh38, chr16:2,056,685, plus strand): 5'-CCGTCTCCCTCTCCACCAGGTCTCCCTGCAGGTGCTGGACGCCGTGGTCTGCTACAACTG[C>A]CTGCCGGCTGAGAGCCTCCCGCTGTTCATCGTTACCCTCTGTCGCACCATCAACGTCAAG-3'